The following is an entry in ClinVar:

NM_020163.3(SEMA3G):c.802C>T (p.Arg268Cys)

Gene: SEMA3G (semaphorin 3G; minus strand). Cytogenetic location: 3p21.1.
Variant type: single nucleotide variant.
Coding change: c.802C>T on transcript NM_020163.3 (MANE Select); coding-DNA position 802, C replaced by T.
Protein change: p.Arg268Cys; replaces arginine 268 with cysteine.
Molecular consequence: missense variant.
Genome position (GRCh38, 1-based): chr3:52,441,275, G>A on the plus strand (C>T on the coding strand, the complement: SEMA3G is on the minus strand). VCF-style: chr3-52441275-G-A. GRCh37 (hg19) VCF-style: chr3-52475291-G-A.
Other names: short protein forms R268C.
Identifiers: ClinVar variation 4990200 (VCV004990200.1).
Genomic context (GRCh38, chr3:52,441,275, plus strand): 5'-GGAGGGTGTAGCAGGGACTTGAACCTCACCACCCCTTCCCAGCTCTTACCACGCAGACGC[G>A]GCCCACGCGGCTGACAGTGACATGGTTCGAGCCACCATCGGGCGAGGGGACCGTCTCCGA-3'
Protein context (NP_064548.1, residues 258-278): SNHVTVSRVG[Arg268Cys]VCVNDAGGQR

ClinVar aggregate classification (germline): Uncertain significance (1 of 4 stars; one submission).

Conditions:
SEMA3G-related disorder. Also called: SEMA3G-related condition.

Submission:

PreventionGenetics, part of Exact Sciences
Classification: Uncertain significance for SEMA3G-related condition. Last evaluated: 2026-03-23. Review status: criteria provided, single submitter. Criteria: ACMG Guidelines, 2015. Collection method: clinical testing. Allele origin: germline.
Comment: The SEMA3G c.802C>T variant is predicted to result in the amino acid substitution p.Arg268Cys. To our knowledge, this variant has not been reported in the literature or in a large population database, indicating this variant is rare. At this time, the clinical significance of this variant is uncertain due to the absence of conclusive functional and genetic evidence.